The following is an entry in ClinVar:

NM_015202.5(KATNIP):c.4408G>A (p.Asp1470Asn)

Gene: KATNIP (katanin interacting protein; plus strand). Cytogenetic location: 16p12.1.
Variant type: single nucleotide variant.
Coding change: c.4408G>A on transcript NM_015202.5 (MANE Select); coding-DNA position 4408, G replaced by A.
Protein change: p.Asp1470Asn; replaces aspartic acid 1470 with asparagine.
Molecular consequence: missense variant.
Genome position (GRCh38, 1-based): chr16:27,775,043, G>A. VCF-style: chr16-27775043-G-A. GRCh37 (hg19) VCF-style: chr16-27786364-G-A.
Other names: c.4408G>A (NM_015202.2); short protein forms D1470N.
Identifiers: ClinVar variation 2076259 (VCV002076259.5), dbSNP rs368603997, ClinGen allele CA7978617.
Genomic context (GRCh38, chr16:27,775,043, plus strand): 5'-GGTGTGGGCGGGGACGTCCGCACCCCAGACAAGCTCATCGACCAAGTGAACGACACCAGT[G>A]ATGGCCGGCACATGTGGCTGGCTCCCATCCTGCCGGGCCTGGTGGGTTCCCGGCAGCGGC-3'
Protein context (NP_056017.4, residues 1460-1480): KLIDQVNDTS[Asp1470Asn]GRHMWLAPIL

ClinVar aggregate classification (germline): Uncertain significance. Review status: criteria provided, multiple submitters, no conflicts (2 of 4 stars). 2 submissions from 2 submitters: Uncertain significance (2). Last evaluated 2025-06-25.

Allele frequency attached by ClinVar (database versions not stated): ESP Exome Variant Server 0.00008; TOPMed 0.00009; ExAC 0.00010; gnomAD 0.00013; gnomAD exomes 0.00014.
gnomAD v4.1: 220 of 1,613,300 alleles (0.014%); highest among the groups gnomAD compares: Non-Finnish European, 0.017%; no homozygotes.

Submissions (2):

Ambry Genetics
Classification: Uncertain significance. Last evaluated: 2025-06-25. Review status: criteria provided, single submitter. Criteria: Ambry Variant Classification Scheme 2023. Collection method: clinical testing. Allele origin: germline.

Labcorp Genetics (formerly Invitae), Labcorp
Classification: Uncertain significance. Last evaluated: 2024-10-04. Review status: criteria provided, single submitter. Criteria: Invitae Variant Classification Sherloc (09022015). Collection method: clinical testing. Allele origin: germline.
Comment: This sequence change replaces aspartic acid, which is acidic and polar, with asparagine, which is neutral and polar, at codon 1470 of the KIAA0556 protein (p.Asp1470Asn). This variant is present in population databases (rs368603997, gnomAD 0.02%). This variant has not been reported in the literature in individuals affected with KIAA0556-related conditions. ClinVar contains an entry for this variant (Variation ID: 2076259). An algorithm developed to predict the effect of missense changes on protein structure and function (PolyPhen-2) suggests that this variant is likely to be disruptive. In summary, the available evidence is currently insufficient to determine the role of this variant in disease. Therefore, it has been classified as a Variant of Uncertain Significance.